The following is an entry in ClinVar:

NM_000350.3(ABCA4):c.2975G>A (p.Arg992Lys)

Gene: ABCA4 (ATP binding cassette subfamily A member 4; minus strand). Cytogenetic location: 1p22.1.
Variant type: single nucleotide variant.
Coding change: c.2975G>A on transcript NM_000350.3 (MANE Select); coding-DNA position 2975, G replaced by A.
Protein change: p.Arg992Lys; replaces arginine 992 with lysine.
Molecular consequence: missense variant.
Genome position (GRCh38, 1-based): chr1:94,044,688, C>T on the plus strand (G>A on the coding strand, the complement: ABCA4 is on the minus strand). VCF-style: chr1-94044688-C-T. GRCh37 (hg19) VCF-style: chr1-94510244-C-T.
Other names: c.2753G>A, p.Arg918Lys (NM_001425324.1); short protein forms R992K, R918K.
Identifiers: ClinVar variation 1904231 (VCV001904231.5), dbSNP rs1660622661, ClinGen allele CA341275173.

ClinVar aggregate classification (germline): Uncertain significance (1 of 4 stars; one submission).

Submission:

Labcorp Genetics (formerly Invitae), Labcorp
Classification: Uncertain significance. Last evaluated: 2022-06-29. Review status: criteria provided, single submitter. Criteria: Invitae Variant Classification Sherloc (09022015). Collection method: clinical testing. Allele origin: germline.
Comment: This sequence change replaces arginine, which is basic and polar, with lysine, which is basic and polar, at codon 992 of the ABCA4 protein (p.Arg992Lys). This variant is not present in population databases (gnomAD no frequency). This variant has not been reported in the literature in individuals affected with ABCA4-related conditions. Advanced modeling of protein sequence and biophysical properties (such as structural, functional, and spatial information, amino acid conservation, physicochemical variation, residue mobility, and thermodynamic stability) performed at Invitae indicates that this missense variant is not expected to disrupt ABCA4 protein function. In summary, the available evidence is currently insufficient to determine the role of this variant in disease. Therefore, it has been classified as a Variant of Uncertain Significance.